The following is an entry in ClinVar:

NM_001122955.4(BSCL2):c.1296T>C (p.Pro432=)

Genes: BSCL2 (BSCL2 lipid droplet biogenesis associated, seipin; minus strand), HNRNPUL2-BSCL2 (HNRNPUL2-BSCL2 readthrough (NMD candidate); minus strand). Cytogenetic location: 11q12.3.
Variant type: single nucleotide variant.
Coding change: c.1296T>C on transcript NM_001122955.4 (MANE Select); coding-DNA position 1296, T replaced by C.
Protein change: p.Pro432=; no amino-acid change (proline 432 retained).
Molecular consequence: synonymous variant. On other transcripts: non-coding transcript variant (1), 3 prime UTR variant (1).
Genome position (GRCh38, 1-based): chr11:62,690,460, A>G on the plus strand (T>C on the coding strand, the complement: BSCL2 is on the minus strand). VCF-style: chr11-62690460-A-G. GRCh37 (hg19) VCF-style: chr11-62457932-A-G.
Other names: c.*98T>C (NM_001130702.2); c.1302T>C, p.Pro434= (NM_001386027.1); c.1296T>C, p.Pro432= (NM_001386028.1); c.1104T>C, p.Pro368= (NM_032667.6).
Identifiers: ClinVar variation 4821917 (VCV004821917.4).

ClinVar aggregate classification (germline): Likely benign (1 of 4 stars; one submission).

gnomAD v4.1: 1 of 1,614,188 alleles (0.000062%); no homozygotes.

Submission:

CeGaT Center for Human Genetics Tuebingen
Classification: Likely benign. Last evaluated: 2026-03-01. Review status: criteria provided, single submitter. Criteria: CeGaT Center For Human Genetics Tuebingen Variant Classification Criteria Version 2. Collection method: clinical testing. Allele origin: germline. Affected: yes. Observed: 1 variant allele.
Comment: BSCL2: BP4, BP7